The following is an entry in ClinVar:

NM_001128148.3(TFRC):c.536G>A (p.Ser179Asn)

Gene: TFRC (transferrin receptor; minus strand). Cytogenetic location: 3q29.
Variant type: single nucleotide variant.
Coding change: c.536G>A on transcript NM_001128148.3 (MANE Select); coding-DNA position 536, G replaced by A.
Protein change: p.Ser179Asn; replaces serine 179 with asparagine.
Molecular consequence: missense variant. On other transcripts: 5 prime UTR variant (1).
Genome position (GRCh38, 1-based): chr3:196,072,051, C>T on the plus strand (G>A on the coding strand, the complement: TFRC is on the minus strand). VCF-style: chr3-196072051-C-T. GRCh37 (hg19) VCF-style: chr3-195798922-C-T.
Other names: c.293G>A, p.Ser98Asn (NM_001313965.2); c.-311G>A (NM_001313966.2); c.536G>A, p.Ser179Asn (NM_003234.4); short protein forms S179N, S98N.
Identifiers: ClinVar variation 1472363 (VCV001472363.9), dbSNP rs745387949, ClinGen allele CA2778281.
Genomic context (GRCh38, chr3:196,072,051, plus strand): 5'-CTTTCAACATACCTGTCTTTGACCTGAATCTTAACAAAATGTTGATCACGCCAGACTTTG[C>T]TGAGTTTAAATTCACGAAATTGATTTTCAACATACAACGCAAGATTTTCATCTTTTTGAG-3'
Protein context (NP_001121620.1, residues 169-189): VENQFREFKL[Ser179Asn]KVWRDQHFVK

ClinVar aggregate classification (germline): Uncertain significance. Review status: criteria provided, multiple submitters, no conflicts (2 of 4 stars). 2 submissions from 2 submitters: Uncertain significance (2). Last evaluated 2025-12-17.

Allele frequency attached by ClinVar (database versions not stated): gnomAD exomes 0.00001 and 0.00002; ExAC 0.00002; TOPMed 0.00002; gnomAD 0.00003 and 0.00004.
gnomAD v4.1: 20 of 1,614,044 alleles (0.0012%); highest among the groups gnomAD compares: African/African-American, 0.0053%; no homozygotes.

Submissions (2):

Labcorp Genetics (formerly Invitae), Labcorp
Classification: Uncertain significance. Last evaluated: 2025-12-17. Review status: criteria provided, single submitter. Criteria: Invitae Variant Classification Sherloc (09022015). Collection method: clinical testing. Allele origin: germline.
Comment: This sequence change replaces serine, which is neutral and polar, with asparagine, which is neutral and polar, at codon 179 of the TFRC protein (p.Ser179Asn). This variant is present in population databases (rs745387949, gnomAD 0.006%). This variant has not been reported in the literature in individuals affected with TFRC-related conditions. ClinVar contains an entry for this variant (Variation ID: 1472363). Invitae Evidence Modeling of protein sequence and biophysical properties (such as structural, functional, and spatial information, amino acid conservation, physicochemical variation, residue mobility, and thermodynamic stability) indicates that this missense variant is not expected to disrupt TFRC protein function with a negative predictive value of 80%. In summary, the available evidence is currently insufficient to determine the role of this variant in disease. Therefore, it has been classified as a Variant of Uncertain Significance.

Blueprint Genetics
Classification: Uncertain significance. Last evaluated: 2024-11-04. Review status: criteria provided, single submitter. Criteria: ACMG Guidelines, 2015. Collection method: clinical testing. Allele origin: germline.